The following is an entry in ClinVar:

ClinVar aggregate classification (germline): Uncertain significance (1 of 4 stars; one submission).

Conditions:
Perlman syndrome (PRLMNS). Identifiers: Orphanet 2849, MedGen C0796113, MONDO:0009965, OMIM 267000.

Submission:

Labcorp Genetics (formerly Invitae), Labcorp
Classification: Uncertain significance for Perlman syndrome. Last evaluated: 2022-03-26. Review status: criteria provided, single submitter. Criteria: Invitae Variant Classification Sherloc (09022015). Collection method: clinical testing. Allele origin: germline.
Comment: This variant has not been reported in the literature in individuals affected with DIS3L2-related conditions. This variant is not present in population databases (gnomAD no frequency). This sequence change replaces glutamine, which is neutral and polar, with histidine, which is basic and polar, at codon 733 of the DIS3L2 protein (p.Gln733His). Algorithms developed to predict the effect of missense changes on protein structure and function (SIFT, PolyPhen-2, Align-GVGD) all suggest that this variant is likely to be tolerated. In summary, the available evidence is currently insufficient to determine the role of this variant in disease. Therefore, it has been classified as a Variant of Uncertain Significance.

NM_152383.5(DIS3L2):c.2199G>T (p.Gln733His)

Gene: DIS3L2 (DIS3 like 3'-5' exoribonuclease 2; plus strand). Cytogenetic location: 2q37.1.
Variant type: single nucleotide variant.
Coding change: c.2199G>T on transcript NM_152383.5 (MANE Select); coding-DNA position 2199, G replaced by T.
Protein change: p.Gln733His; replaces glutamine 733 with histidine.
Molecular consequence: missense variant. On other transcripts: non-coding transcript variant (2), intron variant (1).
Genome position (GRCh38, 1-based): chr2:232,334,409, G>T. VCF-style: chr2-232334409-G-T. GRCh37 (hg19) VCF-style: chr2-233199119-G-T.
Other names: c.1582-8936G>T (NM_001257281.2); short protein forms Q733H.
Identifiers: ClinVar variation 1425871 (VCV001425871.8), dbSNP rs1463349893, ClinGen allele CA350977692.